The following is an entry in ClinVar:

ClinVar aggregate classification (germline): Likely pathogenic (1 of 4 stars; one submission).

Conditions:
Early-infantile DEE. Also called: Early infantile epileptic encephalopathy; Ohtahara syndrome; Early infantile epileptic encephalopathy with suppression bursts. Identifiers: Orphanet 1934, MedGen C0393706, MONDO:0800491.

gnomAD v4.1: 1 of 1,614,180 alleles (0.000062%); no homozygotes.

Submission:

Labcorp Genetics (formerly Invitae), Labcorp
Classification: Likely pathogenic for Early-infantile DEE. Last evaluated: 2025-04-27. Review status: criteria provided, single submitter. Criteria: Invitae Variant Classification Sherloc (09022015). Collection method: clinical testing. Allele origin: germline.
Comment: This sequence change replaces serine, which is neutral and polar, with alanine, which is neutral and non-polar, at codon 1680 of the SPTAN1 protein (p.Ser1680Ala). This variant is not present in population databases (gnomAD no frequency). This missense change has been observed in individual(s) with SPTAN1-related conditions (internal data). In at least one individual the variant was observed to be de novo. ClinVar contains an entry for this variant (Variation ID: 952394). Invitae Evidence Modeling of protein sequence and biophysical properties (such as structural, functional, and spatial information, amino acid conservation, physicochemical variation, residue mobility, and thermodynamic stability) has been performed for this missense variant. However, the output from this modeling did not meet the statistical confidence thresholds required to predict the impact of this variant on SPTAN1 protein function. In summary, the currently available evidence indicates that the variant is pathogenic, but additional data are needed to prove that conclusively. Therefore, this variant has been classified as Likely Pathogenic.

NM_001130438.3(SPTAN1):c.5038T>G (p.Ser1680Ala)

Gene: SPTAN1 (spectrin alpha, non-erythrocytic 1; plus strand). Cytogenetic location: 9q34.11.
Variant type: single nucleotide variant.
Coding change: c.5038T>G on transcript NM_001130438.3 (MANE Select); coding-DNA position 5038, T replaced by G.
Protein change: p.Ser1680Ala; replaces serine 1680 with alanine.
Molecular consequence: missense variant.
Genome position (GRCh38, 1-based): chr9:128,612,241, T>G. VCF-style: chr9-128612241-T-G. GRCh37 (hg19) VCF-style: chr9-131374520-T-G.
Other names: c.5074T>G, p.Ser1692Ala (NM_001375312.2, NM_001375318.1); c.5038T>G, p.Ser1680Ala (NM_001375313.1, NM_001363759.2, NM_001375310.1 and 1 more transcripts); c.4978T>G, p.Ser1660Ala (NM_001375314.2, NM_001363765.2); c.5023T>G, p.Ser1675Ala (NM_003127.4); c.4963T>G, p.Ser1655Ala (NM_001195532.2); short protein forms S1660A, S1675A, S1680A, S1655A, S1692A.
Identifiers: ClinVar variation 952394 (VCV000952394.10), dbSNP rs1856647848, ClinGen allele CA375071476.